The following is an entry in ClinVar:

ClinVar aggregate classification (germline): Uncertain significance (1 of 4 stars; one submission).

Allele frequency attached by ClinVar (database versions not stated): gnomAD exomes below 0.00001 and 0.00002.
gnomAD v4.1: 5 of 1,614,194 alleles (0.00031%); no homozygotes.

Submission:

Labcorp Genetics (formerly Invitae), Labcorp
Classification: Uncertain significance. Last evaluated: 2023-08-04. Review status: criteria provided, single submitter. Criteria: Invitae Variant Classification Sherloc (09022015). Collection method: clinical testing. Allele origin: germline.
Comment: In summary, the available evidence is currently insufficient to determine the role of this variant in disease. Therefore, it has been classified as a Variant of Uncertain Significance. Advanced modeling of protein sequence and biophysical properties (such as structural, functional, and spatial information, amino acid conservation, physicochemical variation, residue mobility, and thermodynamic stability) performed at Invitae indicates that this missense variant is not expected to disrupt SCN3A protein function. ClinVar contains an entry for this variant (Variation ID: 1041267). This variant has not been reported in the literature in individuals affected with SCN3A-related conditions. This variant is present in population databases (no rsID available, gnomAD 0.04%). This sequence change replaces tyrosine, which is neutral and polar, with histidine, which is basic and polar, at codon 294 of the SCN3A protein (p.Tyr294His).

NM_006922.4(SCN3A):c.880T>C (p.Tyr294His)

Gene: SCN3A (sodium voltage-gated channel alpha subunit 3; minus strand). Cytogenetic location: 2q24.3.
Variant type: single nucleotide variant.
Coding change: c.880T>C on transcript NM_006922.4 (MANE Select); coding-DNA position 880, T replaced by C.
Protein change: p.Tyr294His; replaces tyrosine 294 with histidine.
Molecular consequence: missense variant.
Genome position (GRCh38, 1-based): chr2:165,162,643, A>G on the plus strand (T>C on the coding strand, the complement: SCN3A is on the minus strand). VCF-style: chr2-165162643-A-G. GRCh37 (hg19) VCF-style: chr2-166019153-A-G.
Other names: c.880T>C, p.Tyr294His (NM_001081676.2, NM_001081677.2); short protein forms Y294H.
Identifiers: ClinVar variation 1041267 (VCV001041267.8), dbSNP rs1464263715, ClinGen allele CA349239045.